The following is an entry in ClinVar:

ClinVar aggregate classification (germline): Benign. Review status: criteria provided, multiple submitters, no conflicts (2 of 4 stars). 2 submissions from 2 submitters: Benign (2). Last evaluated 2018-06-14.

Allele frequency attached by ClinVar (database versions not stated): 1000 Genomes Project 30x 0.05418; 1000 Genomes Project 0.05451; TOPMed 0.08262; gnomAD 0.09001 and 0.09046; ESP Exome Variant Server 0.10775.
gnomAD v4.1: 195,707 of 1,612,478 alleles (12%); highest among the groups gnomAD compares: Non-Finnish European, 14%; 13,176 homozygotes.

Submissions (2):

GeneDx
Classification: Benign. Last evaluated: 2018-06-14. Review status: criteria provided, single submitter. Criteria: GeneDx Variant Classification (06012015). Collection method: clinical testing. Allele origin: germline. Affected: yes.
Comment: This variant is considered likely benign or benign based on one or more of the following criteria: it is a conservative change, it occurs at a poorly conserved position in the protein, it is predicted to be benign by multiple in silico algorithms, and/or has population frequency not consistent with disease.

Breakthrough Genomics
Classification: Benign. Review status: criteria provided, single submitter. Criteria: ACMG Guidelines, 2015. Collection method: not provided. Allele origin: germline. Inheritance: Autosomal recessive inheritance. Affected: yes.

NM_005005.3(NDUFB9):c.-64A>G

Gene: NDUFB9 (NADH:ubiquinone oxidoreductase subunit B9; plus strand). Cytogenetic location: 8q24.13.
Variant type: single nucleotide variant.
Coding change: c.-64A>G on transcript NM_005005.3 (MANE Select); 64 bases upstream of the start codon, A replaced by G.
Molecular consequence: 5 prime UTR variant.
Genome position (GRCh38, 1-based): chr8:124,539,123, A>G. VCF-style: chr8-124539123-A-G. GRCh37 (hg19) VCF-style: chr8-125551364-A-G.
Other names: c.-197A>G (NM_001278645.2); c.-191A>G (NM_001278646.2); c.-64A>G (NM_001311168.2).
Identifiers: ClinVar variation 671738 (VCV000671738.2), dbSNP rs34681068, ClinGen allele CA12920812.